The following is an entry in ClinVar:

ClinVar aggregate classification (germline): Likely benign (1 of 4 stars; one submission).

Submission:

CeGaT Center for Human Genetics Tuebingen
Classification: Likely benign. Last evaluated: 2025-07-01. Review status: criteria provided, single submitter. Criteria: CeGaT Center For Human Genetics Tuebingen Variant Classification Criteria Version 2. Collection method: clinical testing. Allele origin: germline. Affected: yes. Observed: 1 variant allele.
Comment: RBBP8: PM2:Supporting, BP4, BP7

NM_002894.3(RBBP8):c.1554A>G (p.Gln518=)

Gene: RBBP8 (RB binding protein 8, endonuclease; plus strand). Cytogenetic location: 18q11.2.
Variant type: single nucleotide variant.
Coding change: c.1554A>G on transcript NM_002894.3 (MANE Select); coding-DNA position 1554, A replaced by G.
Protein change: p.Gln518=; no amino-acid change (glutamine 518 retained).
Molecular consequence: synonymous variant.
Genome position (GRCh38, 1-based): chr18:22,993,381, A>G. VCF-style: chr18-22993381-A-G. GRCh37 (hg19) VCF-style: chr18-20573344-A-G.
Other names: c.1554A>G, p.Gln518= (NM_203291.2, NM_203292.2).
Identifiers: ClinVar variation 4085376 (VCV004085376.8).